The following is an entry in ClinVar:

ClinVar aggregate classification (germline): Pathogenic (1 of 4 stars; one submission).

Conditions:
Leber congenital amaurosis 5 (LCA5). Also called: Amaurosis congenita of Leber, type 5. Identifiers: Orphanet 65, MedGen C1858301, MONDO:0011473, OMIM 604537.

Submission:

DBGen Ocular Genomics
Classification: Pathogenic for Leber congenital amaurosis 5. Last evaluated: 2022-01-01. Review status: criteria provided, single submitter. Criteria: ACMG Guidelines, 2015. Collection method: clinical testing. Allele origin: unknown. Inheritance: Autosomal recessive inheritance. Affected: yes.
Comment: Class 5 ACMG Guidelines, 2015 (PMID:25741868)

NM_001122769.3(LCA5):c.346C>T (p.Gln116Ter)

Gene: LCA5 (lebercilin LCA5; minus strand). Cytogenetic location: 6q14.1.
Variant type: single nucleotide variant.
Coding change: c.346C>T on transcript NM_001122769.3 (MANE Select); coding-DNA position 346, C replaced by T.
Protein change: p.Gln116Ter; replaces glutamine 116 with a stop codon.
Molecular consequence: nonsense.
Genome position (GRCh38, 1-based): chr6:79,513,586, G>A on the plus strand (C>T on the coding strand, the complement: LCA5 is on the minus strand). VCF-style: chr6-79513586-G-A. GRCh37 (hg19) VCF-style: chr6-80223303-G-A.
Other names: c.346C>T, p.Gln116Ter (NM_181714.4); short protein forms Q116*.
Identifiers: ClinVar variation 2628020 (VCV002628020.2), dbSNP rs2533439828, ClinGen allele CA364629426.